The following is an entry in ClinVar:

NM_000138.5(FBN1):c.4683C>T (p.Ser1561=)

Gene: FBN1 (fibrillin 1; minus strand). Cytogenetic location: 15q21.1.
Variant type: single nucleotide variant.
Coding change: c.4683C>T on transcript NM_000138.5 (MANE Select); coding-DNA position 4683, C replaced by T.
Protein change: p.Ser1561=; no amino-acid change (serine 1561 retained).
Molecular consequence: synonymous variant.
Genome position (GRCh38, 1-based): chr15:48,468,002, G>A on the plus strand (C>T on the coding strand, the complement: FBN1 is on the minus strand). VCF-style: chr15-48468002-G-A. GRCh37 (hg19) VCF-style: chr15-48760199-G-A.
Identifiers: ClinVar variation 42368 (VCV000042368.33), dbSNP rs148024160, ClinGen allele CA015306.

ClinVar aggregate classification (germline): Benign/Likely benign. Review status: criteria provided, multiple submitters, no conflicts (2 of 4 stars). 10 submissions from 10 submitters: Benign (4); Likely benign (5). 1 of the submissions does not count toward it. Last evaluated 2026-01-18.

Conditions:
Marfan syndrome (MFS). Also called: FBN1-Related Marfan Syndrome; Marfan syndrome, classic; MARFAN SYNDROME, TYPE I; Marfan syndrome type 1; Marfan's syndrome. Identifiers: Orphanet 284963, Orphanet 558, MedGen C0024796, MONDO:0007947, OMIM 154700.
Progeroid and marfanoid aspect-lipodystrophy syndrome. Also called: MARFANOID-PROGEROID-LIPODYSTROPHY SYNDROME; Marfan lipodystrophy syndrome; MARFANOID-PROGEROID SYNDROME; MARFAN-PROGEROID-LIPODYSTROPHY SYNDROME. Identifiers: Orphanet 300382, MedGen C4310796, MONDO:0014831, OMIM 616914.
MASS syndrome (OCTD). Also called: MASS PHENOTYPE; OVERLAP CONNECTIVE TISSUE DISEASE. Identifiers: MedGen C1858556, MONDO:0011431, OMIM 604308.
Geleophysic dysplasia 2 (GPHYSD2). Identifiers: Orphanet 2623, MedGen C3280054, MONDO:0013612, OMIM 614185.
Stiff skin syndrome (SSKS). Identifiers: Orphanet 2833, MedGen C1861456, MONDO:0008492, OMIM 184900.
Ectopia lentis 1, isolated, autosomal dominant (ECTOL1). Identifiers: Orphanet 1885, MedGen C3541518, MONDO:0007514, OMIM 129600.
Weill-Marchesani syndrome 2, dominant. Also called: Weill-Marchesani Syndrome, Autosomal Dominant; FBN1-Related Weill-Marchesani Syndrome. Identifiers: Orphanet 2084, MedGen C1869115, MONDO:0012013, OMIM 608328.
Acromicric dysplasia (ACMICD). Also called: Acromicric skeletal dysplasia. Identifiers: Orphanet 969, MedGen C0265287, MONDO:0007055, OMIM 102370.
Familial thoracic aortic aneurysm and aortic dissection (TAAD). Also called: Thoracic aortic aneurysms and dissections. Identifiers: Orphanet 91387, MedGen C4707243, MONDO:0019625.
FBN1-related disorder. Also called: FBN1-related disorders.

Allele frequency attached by ClinVar (database versions not stated): gnomAD exomes 0.00012 and 0.00004; ExAC 0.00014; ESP Exome Variant Server 0.00077; 1000 Genomes Project 30x 0.00047; 1000 Genomes Project 0.00040; gnomAD 0.00050 and 0.00053; TOPMed 0.00060.
gnomAD v4.1: 132 of 1,614,136 alleles (0.0082%); highest among the groups gnomAD compares: African/African-American, 0.16%; no homozygotes.

Submissions (10):

Labcorp Genetics (formerly Invitae), Labcorp
Classification: Benign for Marfan syndrome; Familial thoracic aortic aneurysm and aortic dissection. Last evaluated: 2026-01-18. Review status: criteria provided, single submitter. Criteria: Invitae Variant Classification Sherloc (09022015). Collection method: clinical testing. Allele origin: germline.

All of Us Research Program, National Institutes of Health
Classification: Benign for Marfan syndrome. Last evaluated: 2024-01-11. Review status: criteria provided, single submitter. Criteria: ACMG Guidelines, 2015. Collection method: clinical testing. Allele origin: germline. Inheritance: Autosomal dominant inheritance. Observed: 32 variant alleles, 32 heterozygotes.
Comment: This study involves interpretation of variants in research participants for the purpose of population health screening. Participant phenotype was not available at the time of variant classification. Additional details can be found in publication PMID: 35346344, PMCID: PMC8962531

Fulgent Genetics
Classification: Likely benign for Acromicric dysplasia; Ectopia lentis 1, isolated, autosomal dominant; Marfan syndrome; Stiff skin syndrome; MASS syndrome; Weill-Marchesani syndrome 2, dominant; Geleophysic dysplasia 2; Progeroid and marfanoid aspect-lipodystrophy syndrome. Last evaluated: 2021-08-11. Review status: criteria provided, single submitter. Criteria: ACMG Guidelines, 2015. Collection method: clinical testing. Allele origin: unknown.

ARUP Laboratories, Molecular Genetics and Genomics, ARUP Laboratories
Classification: Likely benign. Last evaluated: 2018-08-30. Review status: criteria provided, single submitter. Criteria: ARUP Molecular Germline Variant Investigation Process. Collection method: clinical testing. Allele origin: germline.

Color Diagnostics, LLC DBA Color Health
Classification: Benign for Familial thoracic aortic aneurysm and aortic dissection. Last evaluated: 2018-07-20. Review status: criteria provided, single submitter. Criteria: ACMG Guidelines, 2015. Collection method: clinical testing. Allele origin: germline.

Ambry Genetics
Classification: Likely benign for Familial thoracic aortic aneurysm and aortic dissection. Last evaluated: 2017-05-30. Review status: criteria provided, single submitter. Criteria: Ambry Variant Classification Scheme 2023. Collection method: clinical testing. Allele origin: germline.

GeneDx
Classification: Benign. Last evaluated: 2016-06-28. Review status: criteria provided, single submitter. Criteria: GeneDx Variant Classification (06012015). Collection method: clinical testing. Allele origin: germline. Affected: yes.
Comment: This variant is considered likely benign or benign based on one or more of the following criteria: it is a conservative change, it occurs at a poorly conserved position in the protein, it is predicted to be benign by multiple in silico algorithms, and/or has population frequency not consistent with disease.

Laboratory for Molecular Medicine, Mass General Brigham Personalized Medicine
Classification: Likely benign. Last evaluated: 2014-08-26. Review status: criteria provided, single submitter. Criteria: LMM Criteria. Collection method: clinical testing. Allele origin: germline. Observed: 3 variant alleles.
Comment: Ser1561Ser in exon 37 of FBN1: This variant is not expected to have clinical sig nificance because it does not alter an amino acid residue and is not located wit hin the splice consensus sequence. It has been identified in 0.2% (10/4396) of A frican American chromosomes by the NHLBI Exome Sequencing Project (.; dbSNP rs148024160).

Breakthrough Genomics
Classification: Likely benign. Review status: criteria provided, single submitter. Criteria: ACMG Guidelines, 2015. Collection method: not provided. Allele origin: germline. Inheritance: Autosomal dominant inheritance. Affected: yes.

PreventionGenetics, part of Exact Sciences
Classification: Likely benign for FBN1-related condition. Last evaluated: 2019-07-30. Review status: no assertion criteria provided. Collection method: clinical testing. Allele origin: germline. Not counted in ClinVar's aggregate classification.
Comment: This variant is classified as likely benign based on ACMG/AMP sequence variant interpretation guidelines (Richards et al. 2015 PMID: 25741868, with internal and published modifications).